The following is an entry in ClinVar:

NM_016169.4(SUFU):c.1313A>C (p.Glu438Ala)

Gene: SUFU (SUFU negative regulator of hedgehog signaling; plus strand). Cytogenetic location: 10q24.32.
Variant type: single nucleotide variant.
Coding change: c.1313A>C on transcript NM_016169.4 (MANE Select); coding-DNA position 1313, A replaced by C.
Protein change: p.Glu438Ala; replaces glutamic acid 438 with alanine.
Molecular consequence: missense variant.
Genome position (GRCh38, 1-based): chr10:102,627,191, A>C. VCF-style: chr10-102627191-A-C. GRCh37 (hg19) VCF-style: chr10-104386948-A-C.
Other names: short protein forms E438A.
Identifiers: ClinVar variation 2452619 (VCV002452619.2), dbSNP rs1169655389, ClinGen allele CA377918751.
Genomic context (GRCh38, chr10:102,627,191, plus strand): 5'-TACATTTAAAAATAATAATAAAAGCCTGCCTTGTGCCTTCACAGATTCTGTTGACCGAAG[A>C]GTTTGTAGAGAAAATGTTGGAGGATTTAGAAGATTTGACTTCTCCAGAGGAAGTAAGCTT-3'
Protein context (NP_057253.2, residues 428-448): GPWLQILLTE[Glu438Ala]FVEKMLEDLE

ClinVar aggregate classification (germline): Uncertain significance (1 of 4 stars; one submission).

Conditions:
Hereditary cancer-predisposing syndrome. Also called: Neoplastic Syndromes, Hereditary; Tumor predisposition; Hereditary neoplastic syndrome; Hereditary Cancer Syndrome. Identifiers: Orphanet 140162, MedGen C0027672, MeSH D009386, MONDO:0015356.

Submission:

Ambry Genetics
Classification: Uncertain significance for Hereditary cancer-predisposing syndrome. Last evaluated: 2023-02-26. Review status: criteria provided, single submitter. Criteria: Ambry Variant Classification Scheme 2023. Collection method: clinical testing. Allele origin: germline.
Comment: The p.E438A variant (also known as c.1313A>C), located in coding exon 11 of the SUFU gene, results from an A to C substitution at nucleotide position 1313. The glutamic acid at codon 438 is replaced by alanine, an amino acid with dissimilar properties. This amino acid position is conserved. In addition, the in silico prediction for this alteration is inconclusive. Since supporting evidence is limited at this time, the clinical significance of this alteration remains unclear.